The following is an entry in ClinVar:

NM_002840.5(PTPRF):c.1196C>T (p.Pro399Leu)

Gene: PTPRF (protein tyrosine phosphatase receptor type F; plus strand). Cytogenetic location: 1p34.2.
Variant type: single nucleotide variant.
Coding change: c.1196C>T on transcript NM_002840.5 (MANE Select); coding-DNA position 1196, C replaced by T.
Protein change: p.Pro399Leu; replaces proline 399 with leucine.
Molecular consequence: missense variant.
Genome position (GRCh38, 1-based): chr1:43,591,218, C>T. VCF-style: chr1-43591218-C-T. GRCh37 (hg19) VCF-style: chr1-44056889-C-T.
Other names: c.1214C>T, p.Pro405Leu (NM_001329137.2); c.1226C>T, p.Pro409Leu (NM_001329138.2); c.1196C>T, p.Pro399Leu (NM_001329139.2, NM_001329140.2, NM_130440.4); short protein forms P399L, P405L, P409L.
Identifiers: ClinVar variation 3051560 (VCV003051560.2), dbSNP rs61733187, ClinGen allele CA812059.
Genomic context (GRCh38, chr1:43,591,218, plus strand): 5'-TCAGCCCTTTCTCGGAATATGCCTTCCGCGTGCTGGCGGTGAACAGCATCGGGCGAGGGC[C>T]GCCCAGCGAGGCAGTGCGGGCACGCACGGGAGAACAGGCGCCCTCCAGCCCACCGCGCCG-3'
Protein context (NP_002831.2, residues 389-409): VLAVNSIGRG[Pro399Leu]PSEAVRARTG

ClinVar aggregate classification (germline): Likely benign (0 of 4 stars; one submission).

Conditions:
PTPRF-related disorder. Also called: PTPRF-related condition.

Allele frequency attached by ClinVar (database versions not stated): gnomAD exomes 0.00016; 1000 Genomes Project 0.00020; gnomAD 0.00025; TOPMed 0.00026; ExAC 0.00028; ESP Exome Variant Server 0.00046.
gnomAD v4.1: 275 of 1,603,760 alleles (0.017%); highest among the groups gnomAD compares: Middle Eastern, 0.017%; 2 homozygotes.

Submission:

PreventionGenetics, part of Exact Sciences
Classification: Likely benign for PTPRF-related condition. Last evaluated: 2022-02-09. Review status: no assertion criteria provided. Collection method: clinical testing. Allele origin: germline.
Comment: This variant is classified as likely benign based on ACMG/AMP sequence variant interpretation guidelines (Richards et al. 2015 PMID: 25741868, with internal and published modifications).